The following is an entry in ClinVar:

ClinVar aggregate classification (germline): Conflicting classifications of pathogenicity. Review status: criteria provided, conflicting classifications (1 of 4 stars). 2 submissions from 2 submitters: Uncertain significance (1); Likely benign (1). Last evaluated 2026-01-01.

Conditions:
Inborn genetic diseases. Identifiers: MedGen C0950123, MeSH D030342.

gnomAD v4.1: 21 of 974,908 alleles (0.0022%); highest among the groups gnomAD compares: Non-Finnish European, 0.00024%; no homozygotes.

Submissions (2):

CeGaT Center for Human Genetics Tuebingen
Classification: Likely benign. Last evaluated: 2026-01-01. Review status: criteria provided, single submitter. Criteria: CeGaT Center For Human Genetics Tuebingen Variant Classification Criteria Version 2. Collection method: clinical testing. Allele origin: germline. Affected: yes. Observed: 1 variant allele.
Comment: HCN2: BS1

Ambry Genetics
Classification: Uncertain significance for Inborn genetic diseases. Last evaluated: 2024-04-06. Review status: criteria provided, single submitter. Criteria: Ambry Variant Classification Scheme 2023. Collection method: clinical testing. Allele origin: germline.

NM_001194.4(HCN2):c.214C>T (p.Arg72Trp)

Gene: HCN2 (hyperpolarization activated cyclic nucleotide gated potassium and sodium channel 2; plus strand). Cytogenetic location: 19p13.3.
Variant type: single nucleotide variant.
Coding change: c.214C>T on transcript NM_001194.4 (MANE Select); coding-DNA position 214, C replaced by T.
Protein change: p.Arg72Trp; replaces arginine 72 with tryptophan.
Molecular consequence: missense variant.
Genome position (GRCh38, 1-based): chr19:590,159, C>T. VCF-style: chr19-590159-C-T. GRCh37 (hg19) VCF-style: chr19-590159-C-T.
Other names: short protein forms R72W.
Identifiers: ClinVar variation 3283624 (VCV003283624.5).